The following is an entry in ClinVar:

ClinVar aggregate classification (germline): Uncertain significance. Review status: criteria provided, multiple submitters, no conflicts (2 of 4 stars). 3 submissions from 3 submitters: Uncertain significance (2). 1 of the submissions does not count toward it. Last evaluated 2021-09-01.

Conditions:
Retinitis pigmentosa 26 (RP26). Identifiers: Orphanet 791, MedGen C1842127, MONDO:0012024, OMIM 608380.

Allele frequency attached by ClinVar (database versions not stated): gnomAD 0.00001; ExAC 0.00002; gnomAD exomes 0.00002; TOPMed 0.00002; ESP Exome Variant Server 0.00008.

Submissions (3):

Labcorp Genetics (formerly Invitae), Labcorp
Classification: Uncertain significance. Last evaluated: 2021-09-01. Review status: criteria provided, single submitter. Criteria: Invitae Variant Classification Sherloc (09022015). Collection method: clinical testing. Allele origin: germline.
Comment: This sequence change replaces threonine with methionine at codon 248 of the CERKL protein (p.Thr248Met). The threonine residue is weakly conserved and there is a moderate physicochemical difference between threonine and methionine. This variant is present in population databases (rs199691281, ExAC 0.01%). This variant has not been reported in the literature in individuals affected with CERKL-related conditions. Algorithms developed to predict the effect of missense changes on protein structure and function are either unavailable or do not agree on the potential impact of this missense change (SIFT: "Deleterious"; PolyPhen-2: "Benign"; Align-GVGD: "Class C0"). In summary, the available evidence is currently insufficient to determine the role of this variant in disease. Therefore, it has been classified as a Variant of Uncertain Significance.

Blueprint Genetics
Classification: Uncertain significance. Last evaluated: 2018-07-27. Review status: criteria provided, single submitter. Criteria: ACMG Guidelines, 2015. Collection method: clinical testing. Allele origin: germline.

Natera, Inc.
Classification: Uncertain significance for Retinitis Pigmentosa 26. Last evaluated: 2020-01-17. Review status: no assertion criteria provided. Collection method: clinical testing. Allele origin: germline. Not counted in ClinVar's aggregate classification.

NM_201548.5(CERKL):c.677+613C>T

Gene: CERKL (CERK like autophagy regulator; minus strand). Cytogenetic location: 2q31.3.
Variant type: single nucleotide variant.
Coding change: c.677+613C>T on transcript NM_201548.5 (MANE Select); 613 bases into the intron after coding-DNA position 677, C replaced by T.
Molecular consequence: intron variant. On other transcripts: missense variant (2).
Genome position (GRCh38, 1-based): chr2:181,565,445, G>A on the plus strand (C>T on the coding strand, the complement: CERKL is on the minus strand). VCF-style: chr2-181565445-G-A. GRCh37 (hg19) VCF-style: chr2-182430172-G-A.
Other names: c.743C>T, p.Thr248Met (NM_001030311.3); c.611C>T, p.Thr204Met (NM_001160277.2); c.482-15737C>T (NM_001030312.3); c.613+8308C>T (NM_001030313.3); short protein forms T204M, T248M.
Identifiers: ClinVar variation 1020104 (VCV001020104.4), dbSNP rs199691281, ClinGen allele CA2010702.
Genomic context (GRCh38, chr2:181,565,445, plus strand): 5'-TTGGTTCACCTAATTTTAAAAAATGGCAATGAAATTTATATCACTTGCCTTGGTTCTAAC[G>A]TTTGCATGCCAGTGAACAATCTCTGTACACTCCAATGTATTGCGAACAATGGTTTCCGAT-3'